The following is an entry in ClinVar:

ClinVar aggregate classification (germline): Uncertain significance. Review status: criteria provided, multiple submitters, no conflicts (2 of 4 stars). 2 submissions from 2 submitters: Uncertain significance (2). Last evaluated 2024-10-15.

Conditions:
Long QT syndrome (LQTS). Identifiers: MedGen C0023976, MeSH D008133, MONDO:0002442. Disease mechanism: loss of function. Inheritance: Various modes of inheritance.
Brugada syndrome 3 (BRGDA3). Identifiers: Orphanet 130, MedGen C2678478, MONDO:0012742, OMIM 611875.
Timothy syndrome (TS). Also called: LONG QT SYNDROME WITH SYNDACTYLY. Identifiers: Orphanet 65283, MedGen C1832916, MeSH C536962, MONDO:0010979, OMIM 601005.
Long QT syndrome 8. Identifiers: MedGen CN260585, MONDO:0032756, OMIM 618447.

Allele frequency attached by ClinVar (database versions not stated): gnomAD exomes below 0.00001; gnomAD 0.00001; TOPMed 0.00001.
gnomAD v4.1: 3 of 1,601,166 alleles (0.00019%); highest among the groups gnomAD compares: South Asian, 0.0011%; no homozygotes.

Submissions (2):

Labcorp Genetics (formerly Invitae), Labcorp
Classification: Uncertain significance for Long QT syndrome. Last evaluated: 2024-10-15. Review status: criteria provided, single submitter. Criteria: Invitae Variant Classification Sherloc (09022015). Collection method: clinical testing. Allele origin: germline.
Comment: This sequence change replaces leucine, which is neutral and non-polar, with valine, which is neutral and non-polar, at codon 1520 of the CACNA1C protein (p.Leu1520Val). This variant is not present in population databases (gnomAD no frequency). This variant has not been reported in the literature in individuals affected with CACNA1C-related conditions. ClinVar contains an entry for this variant (Variation ID: 1483568). Invitae Evidence Modeling of protein sequence and biophysical properties (such as structural, functional, and spatial information, amino acid conservation, physicochemical variation, residue mobility, and thermodynamic stability) has been performed for this missense variant. However, the output from this modeling did not meet the statistical confidence thresholds required to predict the impact of this variant on CACNA1C protein function. In summary, the available evidence is currently insufficient to determine the role of this variant in disease. Therefore, it has been classified as a Variant of Uncertain Significance.

Fulgent Genetics
Classification: Uncertain significance for Timothy syndrome; Brugada syndrome 3; Long QT syndrome 8. Last evaluated: 2022-02-03. Review status: criteria provided, single submitter. Criteria: ACMG Guidelines, 2015. Collection method: clinical testing. Allele origin: unknown.

NM_000719.7(CACNA1C):c.4558C>G (p.Leu1520Val)

Gene: CACNA1C (calcium voltage-gated channel subunit alpha1 C; plus strand). Cytogenetic location: 12p13.33.
Variant type: single nucleotide variant.
Coding change: c.4558C>G on transcript NM_000719.7 (MANE Select); coding-DNA position 4558, C replaced by G.
Protein change: p.Leu1520Val; replaces leucine 1520 with valine.
Molecular consequence: missense variant.
Genome position (GRCh38, 1-based): chr12:2,666,717, C>G. VCF-style: chr12-2666717-C-G. GRCh37 (hg19) VCF-style: chr12-2775883-C-G.
Other names: c.4702C>G, p.Leu1568Val (NM_001129827.2, NM_199460.4); c.4624C>G, p.Leu1542Val (NM_001129829.2); c.4558C>G, p.Leu1520Val (NM_001129830.3, NM_001129833.2, NM_001129834.2 and 7 more transcripts); c.4642C>G, p.Leu1548Val (NM_001129831.2); c.4618C>G, p.Leu1540Val (NM_001129832.2); c.4609C>G, p.Leu1537Val (NM_001129836.2); c.4525C>G, p.Leu1509Val (NM_001129837.2, NM_001129838.2, NM_001129846.2 and 1 more transcripts); c.4519C>G, p.Leu1507Val (NM_001129839.2); and 1 more; short protein forms L1509V, L1507V, L1537V, L1568V, L1517V, L1520V, L1540V, L1542V.
Identifiers: ClinVar variation 1483568 (VCV001483568.8), dbSNP rs1032623545, ClinGen allele CA231598888.